The following is an entry in ClinVar:

ClinVar aggregate classification (germline): Uncertain significance (1 of 4 stars; one submission).

Conditions:
Long QT syndrome (LQTS). Identifiers: MedGen C0023976, MeSH D008133, MONDO:0002442. Disease mechanism: loss of function. Inheritance: Various modes of inheritance.

Submission:

Labcorp Genetics (formerly Invitae), Labcorp
Classification: Uncertain significance for Long QT syndrome. Last evaluated: 2019-10-17. Review status: criteria provided, single submitter. Criteria: Invitae Variant Classification Sherloc (09022015). Collection method: clinical testing. Allele origin: germline.
Comment: This sequence change replaces arginine with proline at codon 591 of the KCNQ1 protein (p.Arg591Pro). The arginine residue is highly conserved and there is a moderate physicochemical difference between arginine and proline. This variant is not present in population databases (ExAC no frequency). This variant has not been reported in the literature in individuals with KCNQ1-related conditions. Algorithms developed to predict the effect of missense changes on protein structure and function are either unavailable or do not agree on the potential impact of this missense change (SIFT: "Deleterious"; PolyPhen-2: "Probably Damaging"; Align-GVGD: "Class C0"). This variant disrupts the p.Arg591 amino acid residue in KCNQ1. Other variant(s) that disrupt this residue have been observed in individuals with KCNQ1-related conditions (PMID: 16253915, 19261104, 21482651, 10024302, 22949429, 22429796, 23158531), suggesting that it is a clinically significant residue. As a result, variants that disrupt this residue are likely to be causative of disease. In summary, the available evidence is currently insufficient to determine the role of this variant in disease. Therefore, it has been classified as a Variant of Uncertain Significance.

Literature cited by the submitters: PubMed 10024302; PubMed 21482651; PubMed 22429796; PubMed 16253915; PubMed 19261104; PubMed 22949429; PubMed 23158531.

NM_000218.3(KCNQ1):c.1772G>C (p.Arg591Pro)

Gene: KCNQ1 (potassium voltage-gated channel subfamily Q member 1; plus strand). Cytogenetic location: 11p15.5.
Variant type: single nucleotide variant.
Coding change: c.1772G>C on transcript NM_000218.3 (MANE Select); coding-DNA position 1772, G replaced by C.
Protein change: p.Arg591Pro; replaces arginine 591 with proline.
Molecular consequence: missense variant.
Genome position (GRCh38, 1-based): chr11:2,778,015, G>C. VCF-style: chr11-2778015-G-C. GRCh37 (hg19) VCF-style: chr11-2799245-G-C.
Other names: c.1676G>C, p.Arg559Pro (NM_001406836.1); c.1502G>C, p.Arg501Pro (NM_001406837.1); c.1232G>C, p.Arg411Pro (NM_001406838.1); c.284G>C, p.Arg95Pro (NM_001406839.1); c.1391G>C, p.Arg464Pro (NM_181798.2); short protein forms R464P, R591P, R559P, R411P, R501P, R95P.
Identifiers: ClinVar variation 854899 (VCV000854899.3), dbSNP rs199472814, ClinGen allele CA379139745.